The following is an entry in ClinVar:

ClinVar aggregate classification (germline): Pathogenic (1 of 4 stars; one submission).

Submission:

Labcorp Genetics (formerly Invitae), Labcorp
Classification: Pathogenic. Last evaluated: 2025-08-13. Review status: criteria provided, single submitter. Criteria: Invitae Variant Classification Sherloc (09022015). Collection method: clinical testing. Allele origin: germline.
Comment: This sequence change creates a premature translational stop signal (p.Leu1114Phefs*17) in the ATP13A3 gene. It is expected to result in an absent or disrupted protein product. Loss-of-function variants in ATP13A3 are known to be pathogenic (PMID: 29650961, 34493544). The frequency data for this variant in the population databases is considered unreliable, as metrics indicate poor data quality at this position in the gnomAD database. This variant has not been reported in the literature in individuals affected with ATP13A3-related conditions. Algorithms developed to predict the effect of sequence changes on RNA splicing suggest that this variant may disrupt the consensus splice site. For these reasons, this variant has been classified as Pathogenic.

Literature cited by the submitters: PubMed 29650961; PubMed 34493544.

NM_001367549.1(ATP13A3):c.3341dup (p.Leu1114fs)

Gene: ATP13A3 (ATPase 13A3; minus strand). Cytogenetic location: 3q29.
Variant type: Duplication.
Coding change: c.3341dup on transcript NM_001367549.1 (MANE Select); coding-DNA position 3341, one base duplicated (T; older notation c.3341dupT).
Protein change: p.Leu1114fs; shifts the reading frame from leucine 1114.
Molecular consequence: frameshift variant. On other transcripts: non-coding transcript variant (2).
Genome position (GRCh38, 1-based): chr3:194,419,940, A duplicated on the plus strand (T on the coding strand, the reverse complement: ATP13A3 is on the minus strand); the first of 7 consecutive A bases (chr3:194,419,940-194,419,946); duplicating any one gives the same sequence. VCF-style (leftmost placement, unchanged base first): chr3-194419939-T-TA. GRCh37 (hg19) VCF-style: chr3-194140668-T-TA.
Other names: c.3260dup, p.Leu1087fs (NM_001374836.1); c.3341dup, p.Leu1114fs (NM_001437993.1, NM_024524.4); short protein forms L1087fs, L1114fs.
Identifiers: ClinVar variation 4706084 (VCV004706084.1).